The following is an entry in ClinVar:

NM_001042492.3(NF1):c.2795T>C (p.Met932Thr)

Gene: NF1 (neurofibromin 1; plus strand). Cytogenetic location: 17q11.2.
Variant type: single nucleotide variant.
Coding change: c.2795T>C on transcript NM_001042492.3 (MANE Select); coding-DNA position 2795, T replaced by C.
Protein change: p.Met932Thr; replaces methionine 932 with threonine.
Molecular consequence: missense variant.
Genome position (GRCh38, 1-based): chr17:31,229,410, T>C. VCF-style: chr17-31229410-T-C. GRCh37 (hg19) VCF-style: chr17-29556428-T-C.
Other names: c.2795T>C, p.Met932Thr (NM_000267.4); short protein forms M932T.
Identifiers: ClinVar variation 232458 (VCV000232458.7), dbSNP rs876659779, ClinGen allele CA10580263.

ClinVar aggregate classification (germline): Uncertain significance. Review status: criteria provided, multiple submitters, no conflicts (2 of 4 stars). 4 submissions from 3 submitters: Uncertain significance (4). Last evaluated 2023-08-25.

Conditions:
Juvenile myelomonocytic leukemia (JMML). Also called: LEUKEMIA, JUVENILE MYELOMONOCYTIC, SOMATIC. Identifiers: Orphanet 86834, MedGen C0349639, MONDO:0011908, OMIM 607785, HP:0012209.
Cardiovascular phenotype. Identifiers: MedGen CN230736.
Hereditary cancer-predisposing syndrome. Also called: Neoplastic Syndromes, Hereditary; Tumor predisposition; Hereditary Cancer Syndrome; Hereditary neoplastic syndrome. Identifiers: Orphanet 140162, MedGen C0027672, MeSH D009386, MONDO:0015356.

Allele frequency attached by ClinVar (database versions not stated): gnomAD exomes below 0.00001; TOPMed below 0.00001; gnomAD 0.00001.
gnomAD v4.1: 2 of 1,613,800 alleles (0.00012%); highest among the groups gnomAD compares: Non-Finnish European, 0.000085%; no homozygotes.

Submissions (4):

Baylor Genetics
Classification: Uncertain significance for Juvenile myelomonocytic leukemia. Last evaluated: 2023-08-25. Review status: criteria provided, single submitter. Criteria: ACMG Guidelines, 2015. Collection method: clinical testing. Allele origin: unknown.

Ambry Genetics
Classification: Uncertain significance for Cardiovascular phenotype; Hereditary cancer-predisposing syndrome. Last evaluated: 2022-11-01. Review status: criteria provided, single submitter. Criteria: Ambry Variant Classification Scheme 2023. Collection method: clinical testing. Allele origin: germline.

Sema4
Classification: Uncertain significance for Hereditary cancer-predisposing syndrome. Last evaluated: 2021-11-06. Review status: criteria provided, single submitter. Criteria: Sema4 Curation Guidelines. Collection method: curation. Allele origin: germline.
Comment: The NF1 c.2795T>C (p.M932T) variant has not been reported in the literature to our knowledge. It was observed in 1/21642 chromosomes of the Finnish subpopulation in the large and broad cohorts of the Genome Aggregation Database (PMID: 32461654). The variant has been reported in ClinVar (Variation ID 232458). Functional studies have not been performed, and in silico predictions of the variant's effect on protein function are inconclusive. The evidence is insufficient to meet ACMG/AMP criteria for classifying the variant as benign or pathogenic. Thus, the clinical significance of this variant is currently uncertain.

Ambry Genetics
Classification: Uncertain significance for Hereditary cancer-predisposing syndrome. Last evaluated: 2015-06-26. Review status: criteria provided, single submitter. Criteria: Ambry Autosomal Dominant and X-Linked criteria (10/2015). Collection method: clinical testing. Allele origin: germline. Observed: 1 variant allele.
Comment: The p.M932T variant (also known as c.2795T>C), located in coding exon 21 of the NF1 gene, results from a T to C substitution at nucleotide position 2795. The methionine at codon 932 is replaced by threonine, an amino acid with similar properties. This variant was not reported in population based cohorts in the following databases: Database of Single Nucleotide Polymorphisms (dbSNP), NHLBI Exome Sequencing Project (ESP), and 1000 Genomes Project. In the ESP, this variant was not observed in 6503 samples (13006 alleles) with coverage at this position. To date, this alteration has been detected with an allele frequency of approximately 0.002% (greater than55000alleles tested) in our clinical cohort.This amino acid position is highly conserved in available vertebrate species. In addition, the in silico prediction for this alteration is inconclusive.Since supporting evidence is limited at this time, the clinical significance of p.M932Tremains unclear.